The following is an entry in ClinVar:

ClinVar aggregate classification (germline): Likely benign (1 of 4 stars; one submission).

Conditions:
Tuberous sclerosis syndrome (TSC). Also called: Tuberous Sclerosis Complex; Tuberous sclerosis. Identifiers: Orphanet 805, MedGen C0041341, MONDO:0001734.

Allele frequency attached by ClinVar (database versions not stated): TOPMed 0.00001.

Submission:

All of Us Research Program, National Institutes of Health
Classification: Likely benign for Tuberous sclerosis syndrome. Last evaluated: 2023-09-17. Review status: criteria provided, single submitter. Criteria: ACMG Guidelines, 2015. Collection method: clinical testing. Allele origin: germline. Inheritance: Autosomal dominant inheritance. Observed: 1 variant allele, 1 heterozygote.
Comment: This study involves interpretation of variants in research participants for the purpose of population health screening. Participant phenotype was not available at the time of variant classification. Additional details can be found in publication PMID: 35346344, PMCID: PMC8962531

NM_000548.5(TSC2):c.2098-14T>C

Gene: TSC2 (TSC complex subunit 2; plus strand). Cytogenetic location: 16p13.3.
Variant type: single nucleotide variant.
Coding change: c.2098-14T>C on transcript NM_000548.5 (MANE Select); 14 bases into the intron before coding-DNA position 2098, T replaced by C.
Molecular consequence: intron variant. On other transcripts: non-coding transcript variant (2).
Genome position (GRCh38, 1-based): chr16:2,072,227, T>C. VCF-style: chr16-2072227-T-C. GRCh37 (hg19) VCF-style: chr16-2122228-T-C.
Other names: c.1951-14T>C (NM_001406676.1, NM_001318829.2, NM_001406679.1 and 1 more transcripts); c.1498-14T>C (NM_001406686.1, NM_001406680.1, NM_001406683.1 and 6 more transcripts); c.2131-14T>C (NM_001318832.2); c.754-14T>C (NM_001406693.1, NM_001406689.1, NM_001406690.1 and 6 more transcripts); c.2188-14T>C (NM_001406667.1, NM_001406668.1); c.496-14T>C (NM_001406698.1); c.2098-14T>C (NM_001114382.3, NM_001406663.1, NM_001406664.1 and 6 more transcripts); c.2086-14T>C (NM_001406671.1, NM_001406673.1); and 3 more.
Identifiers: ClinVar variation 3073360 (VCV003073360.1), dbSNP rs551711987, ClinGen allele CA718909523.